The following is an entry in ClinVar:

ClinVar aggregate classification (germline): Uncertain significance (1 of 4 stars; one submission).

Conditions:
Immunodeficiency 91 and hyperinflammation. Identifiers: MedGen C5562073, MONDO:0030491, OMIM 619644.

Submission:

3billion
Classification: Uncertain significance for Immunodeficiency 91 and hyperinflammation. Last evaluated: 2024-03-11. Review status: criteria provided, single submitter. Criteria: ACMG Guidelines, 2015. Collection method: clinical testing. Allele origin: germline. Affected: yes.
Comment: The variant is not observed in the gnomAD v2.1.1 dataset. Predicted Consequence/Location: The majority of the known disease-causing variants of this gene are variants expected to result in premature termination of the protein. In silico tool predictions suggest damaging effect of the variant on gene or gene product [REVEL: 0.89 (>=0.6, sensitivity 0.68 and specificity 0.92)]. Therefore, this variant is classified as VUS according to the recommendation of ACMG/AMP guideline.

NM_021035.3(ZNFX1):c.1997T>A (p.Leu666Gln)

Gene: ZNFX1 (zinc finger NFX1-type containing 1; minus strand). Cytogenetic location: 20q13.13.
Variant type: single nucleotide variant.
Coding change: c.1997T>A on transcript NM_021035.3 (MANE Select); coding-DNA position 1997, T replaced by A.
Protein change: p.Leu666Gln; replaces leucine 666 with glutamine.
Molecular consequence: missense variant.
Genome position (GRCh38, 1-based): chr20:49,266,140, A>T on the plus strand (T>A on the coding strand, the complement: ZNFX1 is on the minus strand). VCF-style: chr20-49266140-A-T. GRCh37 (hg19) VCF-style: chr20-47882677-A-T.
Other names: short protein forms L666Q.
Identifiers: ClinVar variation 3776169 (VCV003776169.1).